The following is an entry in ClinVar:

ClinVar aggregate classification (germline): Uncertain significance (1 of 4 stars; one submission).

Allele frequency attached by ClinVar (database versions not stated): gnomAD exomes below 0.00001.
gnomAD v4.1: 5 of 1,608,474 alleles (0.00031%); highest among the groups gnomAD compares: South Asian, 0.0034%; no homozygotes.

Submission:

GeneDx
Classification: Uncertain significance. Last evaluated: 2023-06-21. Review status: criteria provided, single submitter. Criteria: GeneDx Variant Classification Process June 2021. Collection method: clinical testing. Allele origin: germline. Affected: yes.
Comment: Not observed at significant frequency in large population cohorts (gnomAD); In silico analysis supports that this missense variant does not alter protein structure/function; Has not been previously published as pathogenic or benign to our knowledge

NM_001352027.3(PHF21A):c.1459A>G (p.Ile487Val)

Gene: PHF21A (PHD finger protein 21A; minus strand). Cytogenetic location: 11p11.2.
Variant type: single nucleotide variant.
Coding change: c.1459A>G on transcript NM_001352027.3 (MANE Select); coding-DNA position 1459, A replaced by G.
Protein change: p.Ile487Val; replaces isoleucine 487 with valine.
Molecular consequence: missense variant. On other transcripts: non-coding transcript variant (2).
Genome position (GRCh38, 1-based): chr11:45,938,306, T>C on the plus strand (A>G on the coding strand, the complement: PHF21A is on the minus strand). VCF-style: chr11-45938306-T-C. GRCh37 (hg19) VCF-style: chr11-45959857-T-C.
Other names: c.1456A>G, p.Ile486Val (NM_001101802.3); c.1459A>G, p.Ile487Val (NM_001352025.3, NM_001352026.3); c.1318A>G, p.Ile440Val (NM_001352028.1, NM_001352029.1, NM_016621.5); c.1315A>G, p.Ile439Val (NM_001352030.3, NM_001352031.3, NM_001352032.3); short protein forms I439V, I440V, I486V, I487V.
Identifiers: ClinVar variation 2504497 (VCV002504497.2), dbSNP rs2495855389, ClinGen allele CA380257303.